The following is an entry in ClinVar:

ClinVar aggregate classification (germline): Uncertain significance (1 of 4 stars; one submission).

Allele frequency attached by ClinVar (database versions not stated): gnomAD exomes below 0.00001.
gnomAD v4.1: 2 of 1,613,736 alleles (0.00012%); highest among the groups gnomAD compares: Non-Finnish European, 0.000085%; no homozygotes.

Submission:

Labcorp Genetics (formerly Invitae), Labcorp
Classification: Uncertain significance. Last evaluated: 2025-11-17. Review status: criteria provided, single submitter. Criteria: Invitae Variant Classification Sherloc (09022015). Collection method: clinical testing. Allele origin: germline.
Comment: This sequence change replaces glycine, which is neutral and non-polar, with glutamic acid, which is acidic and polar, at codon 507 of the REST protein (p.Gly507Glu). This variant is not present in population databases (gnomAD no frequency). This variant has not been reported in the literature in individuals affected with REST-related conditions. ClinVar contains an entry for this variant (Variation ID: 846955). An algorithm developed to predict the effect of missense changes on protein structure and function outputs the following: PolyPhen-2: "Benign". The glutamic acid amino acid residue is found in multiple mammalian species, which suggests that this missense change does not adversely affect protein function. In summary, the available evidence is currently insufficient to determine the role of this variant in disease. Therefore, it has been classified as a Variant of Uncertain Significance.

NM_005612.5(REST):c.1520G>A (p.Gly507Glu)

Gene: REST (RE1 silencing transcription factor; plus strand). Cytogenetic location: 4q12.
Variant type: single nucleotide variant.
Coding change: c.1520G>A on transcript NM_005612.5 (MANE Select); coding-DNA position 1520, G replaced by A.
Protein change: p.Gly507Glu; replaces glycine 507 with glutamic acid.
Molecular consequence: missense variant.
Genome position (GRCh38, 1-based): chr4:56,930,378, G>A. VCF-style: chr4-56930378-G-A. GRCh37 (hg19) VCF-style: chr4-57796544-G-A.
Other names: c.1520G>A, p.Gly507Glu (NM_001193508.2, NM_001363453.3); short protein forms G507E.
Identifiers: ClinVar variation 846955 (VCV000846955.9), dbSNP rs1720904030, ClinGen allele CA357006800.